The following is an entry in ClinVar:

NM_000321.3(RB1):c.2490-22G>A

Gene: RB1 (RB transcriptional corepressor 1; plus strand). Cytogenetic location: 13q14.2.
Variant type: single nucleotide variant.
Coding change: c.2490-22G>A on transcript NM_000321.3 (MANE Select); 22 bases into the intron before coding-DNA position 2490, G replaced by A.
Molecular consequence: intron variant.
Genome position (GRCh38, 1-based): chr13:48,473,338, G>A. VCF-style: chr13-48473338-G-A. GRCh37 (hg19) VCF-style: chr13-49047474-G-A.
Other names: c.2490-22G>A (NM_001407165.1).
Identifiers: ClinVar variation 4876045 (VCV004876045.1).

ClinVar aggregate classification (germline): Benign (1 of 4 stars; one submission).

Conditions:
Retinoblastoma (RB1). Also called: RETINOBLASTOMA, SOMATIC. Identifiers: Orphanet 790, MedGen C0035335, MeSH D012175, MONDO:0008380, OMIM 180200, HP:0009919. Disease mechanism: loss of function. Inheritance: Both sporadic and heritable forms are tested..

Submission:

Myriad Genetics, Inc.
Classification: Benign for Retinoblastoma. Last evaluated: 2026-06-25. Review status: criteria provided, single submitter. Criteria: Myriad Autosomal Dominant, Autosomal Recessive and X-Linked Classification Criteria (2023). Collection method: clinical testing. Allele origin: unknown.
Comment: This variant is considered benign. This variant is intronic and is not expected to impact mRNA splicing.